The following is an entry in ClinVar:

ClinVar aggregate classification (germline): Uncertain significance (1 of 4 stars; one submission).

Allele frequency attached by ClinVar (database versions not stated): ExAC 0.00001; gnomAD exomes 0.00003.
gnomAD v4.1: 42 of 1,587,874 alleles (0.0026%); highest among the groups gnomAD compares: Non-Finnish European, 0.0036%; no homozygotes.

Submission:

Labcorp Genetics (formerly Invitae), Labcorp
Classification: Uncertain significance. Last evaluated: 2022-03-04. Review status: criteria provided, single submitter. Criteria: Invitae Variant Classification Sherloc (09022015). Collection method: clinical testing. Allele origin: germline.
Comment: This sequence change replaces methionine, which is neutral and non-polar, with lysine, which is basic and polar, at codon 420 of the CWC27 protein (p.Met420Lys). This variant is present in population databases (rs754149136, gnomAD 0.003%). This variant has not been reported in the literature in individuals affected with CWC27-related conditions. Algorithms developed to predict the effect of missense changes on protein structure and function are either unavailable or do not agree on the potential impact of this missense change (SIFT: "Deleterious"; PolyPhen-2: "Possibly Damaging"; Align-GVGD: "Class C0"). In summary, the available evidence is currently insufficient to determine the role of this variant in disease. Therefore, it has been classified as a Variant of Uncertain Significance.

NM_005869.4(CWC27):c.1259T>A (p.Met420Lys)

Gene: CWC27 (CWC27 spliceosome associated cyclophilin; plus strand). Cytogenetic location: 5q12.3.
Variant type: single nucleotide variant.
Coding change: c.1259T>A on transcript NM_005869.4 (MANE Select); coding-DNA position 1259, T replaced by A.
Protein change: p.Met420Lys; replaces methionine 420 with lysine.
Molecular consequence: missense variant.
Genome position (GRCh38, 1-based): chr5:65,018,161, T>A. VCF-style: chr5-65018161-T-A. GRCh37 (hg19) VCF-style: chr5-64313988-T-A.
Other names: c.1155T>A, p.Asp385Glu (NM_001297644.1); short protein forms D385E, M420K.
Identifiers: ClinVar variation 1971196 (VCV001971196.2), dbSNP rs754149136, ClinGen allele CA3282286.